The following is an entry in ClinVar:

ClinVar aggregate classification (germline): Uncertain significance. Review status: criteria provided, multiple submitters, no conflicts (2 of 4 stars). 4 submissions from 4 submitters: Uncertain significance (4). Last evaluated 2025-08-28.

Conditions:
Hereditary cancer-predisposing syndrome. Also called: Tumor predisposition; Hereditary Cancer Syndrome; Neoplastic Syndromes, Hereditary; Hereditary neoplastic syndrome. Identifiers: Orphanet 140162, MedGen C0027672, MeSH D009386, MONDO:0015356.
Familial adenomatous polyposis 1 (FAP1). Also called: FAMILIAL ADENOMATOUS POLYPOSIS 1, ATTENUATED; POLYPOSIS, ADENOMATOUS INTESTINAL. Identifiers: MedGen C2713442, MONDO:0021056, OMIM 175100. Disease mechanism: loss of function.
Classic or attenuated familial adenomatous polyposis. Identifiers: MedGen CN372698, MONDO:0021057.

Submissions (4):

Labcorp Genetics (formerly Invitae), Labcorp
Classification: Uncertain significance for Familial adenomatous polyposis 1. Last evaluated: 2025-08-28. Review status: criteria provided, single submitter. Criteria: Invitae Variant Classification Sherloc (09022015). Collection method: clinical testing. Allele origin: germline.
Comment: This sequence change replaces proline, which is neutral and non-polar, with leucine, which is neutral and non-polar, at codon 1101 of the APC protein (p.Pro1101Leu). This variant is not present in population databases (gnomAD no frequency). This variant has not been reported in the literature in individuals affected with APC-related conditions. ClinVar contains an entry for this variant (Variation ID: 823515). Invitae Evidence Modeling of protein sequence and biophysical properties (such as structural, functional, and spatial information, amino acid conservation, physicochemical variation, residue mobility, and thermodynamic stability) indicates that this missense variant is not expected to disrupt APC protein function with a negative predictive value of 95%. In summary, the available evidence is currently insufficient to determine the role of this variant in disease. Therefore, it has been classified as a Variant of Uncertain Significance.

Ambry Genetics
Classification: Uncertain significance for Hereditary cancer-predisposing syndrome. Last evaluated: 2024-09-30. Review status: criteria provided, single submitter. Criteria: Ambry Variant Classification Scheme 2023. Collection method: clinical testing. Allele origin: germline.
Comment: The p.P1101L variant (also known as c.3302C>T), located in coding exon 15 of the APC gene, results from a C to T substitution at nucleotide position 3302. The proline at codon 1101 is replaced by leucine, an amino acid with similar properties. This amino acid position is well conserved in available vertebrate species. In addition, in silico predictors for this gene do not accurately predict pathogenicity. Missense alterations in APC are not a common cause of disease (Spier I et al. Genet Med. 2024 Feb;26(2):100992). Based on the available evidence, the clinical significance of this variant remains unclear.

All of Us Research Program, National Institutes of Health
Classification: Uncertain significance for Classic or attenuated familial adenomatous polyposis. Last evaluated: 2024-07-29. Review status: criteria provided, single submitter. Criteria: ACMG Guidelines, 2015. Collection method: clinical testing. Allele origin: germline. Inheritance: Autosomal dominant inheritance. Observed: 1 variant allele, 1 heterozygote.
Comment: This missense variant replaces proline with leucine at codon 1101 of the APC protein. Computational prediction suggests that this variant may not impact protein structure and function (internally defined REVEL score threshold <= 0.5, PMID: 27666373). To our knowledge, functional studies have not been reported for this variant. This variant has not been reported in individuals affected with APC-related disorders in the literature. This variant has not been identified in the general population by the Genome Aggregation Database (gnomAD). The available evidence is insufficient to determine the role of this variant in disease conclusively. Therefore, this variant is classified as a Variant of Uncertain Significance.

This study involves interpretation of variants in research participants for the purpose of population health screening. Participant phenotype was not available at the time of variant classification. Additional details can be found in publication PMID: 35346344, PMCID: PMC8962531

GeneDx
Classification: Uncertain significance. Last evaluated: 2023-02-22. Review status: criteria provided, single submitter. Criteria: GeneDx Variant Classification Process June 2021. Collection method: clinical testing. Allele origin: germline. Affected: yes.
Comment: Not observed at significant frequency in large population cohorts (gnomAD); In silico analysis supports that this missense variant does not alter protein structure/function; Has not been previously published as pathogenic or benign to our knowledge; This variant is associated with the following publications: (PMID: 18199528)

NM_000038.6(APC):c.3302C>T (p.Pro1101Leu)

Gene: APC (APC regulator of Wnt signaling pathway; plus strand). Cytogenetic location: 5q22.2.
Variant type: single nucleotide variant.
Coding change: c.3302C>T on transcript NM_000038.6 (MANE Select); coding-DNA position 3302, C replaced by T.
Protein change: p.Pro1101Leu; replaces proline 1101 with leucine.
Molecular consequence: missense variant.
Genome position (GRCh38, 1-based): chr5:112,838,896, C>T. VCF-style: chr5-112838896-C-T. GRCh37 (hg19) VCF-style: chr5-112174593-C-T.
Other names: c.3302C>T, p.Pro1101Leu (NM_001127510.3, NM_001354895.2); c.3248C>T, p.Pro1083Leu (NM_001127511.3); c.3356C>T, p.Pro1119Leu (NM_001354896.2); c.3332C>T, p.Pro1111Leu (NM_001354897.2); c.3227C>T, p.Pro1076Leu (NM_001354898.2); c.3218C>T, p.Pro1073Leu (NM_001354899.2); c.3179C>T, p.Pro1060Leu (NM_001354900.2); c.3125C>T, p.Pro1042Leu (NM_001354901.2); and 5 more; short protein forms P1000L, P1083L, P1119L, P941L, P975L, P1010L, P1042L, P1060L.
Identifiers: ClinVar variation 823515 (VCV000823515.12), dbSNP rs1044948714, ClinGen allele CA16028584.